The following is an entry in ClinVar:

ClinVar aggregate classification (germline): Uncertain significance. Review status: criteria provided, multiple submitters, no conflicts (2 of 4 stars). 3 submissions from 3 submitters: Uncertain significance (3). Last evaluated 2024-03-28.

Conditions:
Autosomal recessive severe congenital neutropenia due to G6PC3 deficiency. Also called: G6PC3 Deficiency; NEUTROPENIA, SEVERE CONGENITAL, 4, AUTOSOMAL RECESSIVE. Identifiers: Orphanet 331176, MedGen C2751630, MONDO:0012930, OMIM 612541.

Allele frequency attached by ClinVar (database versions not stated): TOPMed 0.00012; ESP Exome Variant Server 0.00008; ExAC 0.00010; gnomAD 0.00011; gnomAD exomes 0.00011.

Submissions (3):

Blueprint Genetics
Classification: Uncertain significance. Last evaluated: 2024-03-28. Review status: criteria provided, single submitter. Criteria: ACMG Guidelines, 2015. Collection method: clinical testing. Allele origin: germline.

Labcorp Genetics (formerly Invitae), Labcorp
Classification: Uncertain significance for Autosomal recessive severe congenital neutropenia due to G6PC3 deficiency. Last evaluated: 2024-01-29. Review status: criteria provided, single submitter. Criteria: Invitae Variant Classification Sherloc (09022015). Collection method: clinical testing. Allele origin: germline.
Comment: This sequence change replaces arginine, which is basic and polar, with tryptophan, which is neutral and slightly polar, at codon 136 of the G6PC3 protein (p.Arg136Trp). This variant is present in population databases (rs138557340, gnomAD 0.02%). This variant has not been reported in the literature in individuals affected with G6PC3-related conditions. ClinVar contains an entry for this variant (Variation ID: 323464). Advanced modeling of protein sequence and biophysical properties (such as structural, functional, and spatial information, amino acid conservation, physicochemical variation, residue mobility, and thermodynamic stability) performed at Invitae indicates that this missense variant is not expected to disrupt G6PC3 protein function with a negative predictive value of 80%. In summary, the available evidence is currently insufficient to determine the role of this variant in disease. Therefore, it has been classified as a Variant of Uncertain Significance.

Illumina Laboratory Services, Illumina
Classification: Uncertain significance for Autosomal recessive severe congenital neutropenia due to G6PC3 deficiency. Last evaluated: 2018-01-13. Review status: criteria provided, single submitter. Criteria: ICSL Variant Classification Criteria 13 December 2019. Collection method: clinical testing. Allele origin: germline.

NM_138387.4(G6PC3):c.406C>T (p.Arg136Trp)

Gene: G6PC3 (glucose-6-phosphatase catalytic subunit 3; plus strand). Cytogenetic location: 17q21.31.
Variant type: single nucleotide variant.
Coding change: c.406C>T on transcript NM_138387.4 (MANE Select); coding-DNA position 406, C replaced by T.
Protein change: p.Arg136Trp; replaces arginine 136 with tryptophan.
Molecular consequence: missense variant.
Genome position (GRCh38, 1-based): chr17:44,074,760, C>T. VCF-style: chr17-44074760-C-T. GRCh37 (hg19) VCF-style: chr17-42152128-C-T.
Other names: c.406C>T, p.Arg136Trp (NM_001319945.2); c.61C>T, p.Arg21Trp (NM_001384165.1, NM_001384166.1, NM_001384167.1 and 1 more transcripts); short protein forms R136W, R21W.
Identifiers: ClinVar variation 323464 (VCV000323464.12), dbSNP rs138557340, ClinGen allele CA8596001.